The following is an entry in ClinVar:

NM_006767.4(LZTR1):c.2008A>C (p.Thr670Pro)

Gene: LZTR1 (leucine zipper like post translational regulator 1; plus strand). Cytogenetic location: 22q11.21.
Variant type: single nucleotide variant.
Coding change: c.2008A>C on transcript NM_006767.4 (MANE Select); coding-DNA position 2008, A replaced by C.
Protein change: p.Thr670Pro; replaces threonine 670 with proline.
Molecular consequence: missense variant.
Genome position (GRCh38, 1-based): chr22:20,995,811, A>C. VCF-style: chr22-20995811-A-C. GRCh37 (hg19) VCF-style: chr22-21350100-A-C.
Other names: short protein forms T670P.
Identifiers: ClinVar variation 1784348 (VCV001784348.2), dbSNP rs1272518485, ClinGen allele CA410779055.

ClinVar aggregate classification (germline): Uncertain significance (1 of 4 stars; one submission).

Conditions:
Hereditary cancer-predisposing syndrome. Also called: Neoplastic Syndromes, Hereditary; Tumor predisposition; Hereditary Cancer Syndrome; Hereditary neoplastic syndrome. Identifiers: Orphanet 140162, MedGen C0027672, MeSH D009386, MONDO:0015356.
Cardiovascular phenotype. Identifiers: MedGen CN230736.

Submission:

Ambry Genetics
Classification: Uncertain significance for Cardiovascular phenotype; Hereditary cancer-predisposing syndrome. Last evaluated: 2022-09-20. Review status: criteria provided, single submitter. Criteria: Ambry Variant Classification Scheme 2023. Collection method: clinical testing. Allele origin: germline.
Comment: The p.T670P variant (also known as c.2008A>C), located in coding exon 17 of the LZTR1 gene, results from an A to C substitution at nucleotide position 2008. The threonine at codon 670 is replaced by proline, an amino acid with highly similar properties. This amino acid position is conserved. In addition, the in silico prediction for this alteration is inconclusive. Since supporting evidence is limited at this time, the clinical significance of this alteration remains unclear.